The following is an entry in ClinVar:

ClinVar aggregate classification (germline): Uncertain significance (1 of 4 stars; one submission).

Submission:

Labcorp Genetics (formerly Invitae), Labcorp
Classification: Uncertain significance. Last evaluated: 2025-02-06. Review status: criteria provided, single submitter. Criteria: Invitae Variant Classification Sherloc (09022015). Collection method: clinical testing. Allele origin: germline.
Comment: This sequence change replaces glutamic acid, which is acidic and polar, with lysine, which is basic and polar, at codon 69 of the DDX41 protein (p.Glu69Lys). This variant is not present in population databases (gnomAD no frequency). This variant has not been reported in the literature in individuals affected with DDX41-related conditions. An algorithm developed to predict the effect of missense changes on protein structure and function (PolyPhen-2) suggests that this variant is likely to be tolerated. In summary, the available evidence is currently insufficient to determine the role of this variant in disease. Therefore, it has been classified as a Variant of Uncertain Significance.

NM_016222.4(DDX41):c.205G>A (p.Glu69Lys)

Gene: DDX41 (DEAD-box helicase 41; minus strand). Cytogenetic location: 5q35.3.
Variant type: single nucleotide variant.
Coding change: c.205G>A on transcript NM_016222.4 (MANE Select); coding-DNA position 205, G replaced by A.
Protein change: p.Glu69Lys; replaces glutamic acid 69 with lysine.
Molecular consequence: missense variant. On other transcripts: 5 prime UTR variant (2).
Genome position (GRCh38, 1-based): chr5:177,516,381, C>T on the plus strand (G>A on the coding strand, the complement: DDX41 is on the minus strand). VCF-style: chr5-177516381-C-T. GRCh37 (hg19) VCF-style: chr5-176943382-C-T.
Other names: c.-174G>A (NM_001321732.2, NM_001321830.2); short protein forms E69K.
Identifiers: ClinVar variation 4805748 (VCV004805748.1).